The following is an entry in ClinVar:

ClinVar aggregate classification (germline): Uncertain significance. Review status: criteria provided, multiple submitters, no conflicts (2 of 4 stars). 2 submissions from 2 submitters: Uncertain significance (2). Last evaluated 2022-02-24.

Conditions:
Multiple congenital anomalies-hypotonia-seizures syndrome 3 (MCAHS3). Also called: GLYCOSYLPHOSPHATIDYLINOSITOL BIOSYNTHESIS DEFECT 7. Identifiers: Orphanet 369837, MedGen C3809356, MONDO:0014165, OMIM 615398.

Allele frequency attached by ClinVar (database versions not stated): ExAC 0.00004.
gnomAD v4.1: 12 of 1,614,070 alleles (0.00074%); highest among the groups gnomAD compares: Admixed American, 0.02%; no homozygotes.

Submissions (2):

Labcorp Genetics (formerly Invitae), Labcorp
Classification: Uncertain significance for Multiple congenital anomalies-hypotonia-seizures syndrome 3. Last evaluated: 2022-02-24. Review status: criteria provided, single submitter. Criteria: Invitae Variant Classification Sherloc (09022015). Collection method: clinical testing. Allele origin: germline.
Comment: In summary, the available evidence is currently insufficient to determine the role of this variant in disease. Therefore, it has been classified as a Variant of Uncertain Significance. Algorithms developed to predict the effect of missense changes on protein structure and function are either unavailable or do not agree on the potential impact of this missense change (SIFT: "Deleterious"; PolyPhen-2: "Probably Damaging"; Align-GVGD: "Class C0"). ClinVar contains an entry for this variant (Variation ID: 1304132). This variant has not been reported in the literature in individuals affected with PIGT-related conditions. This variant is present in population databases (rs757652787, gnomAD 0.01%). This sequence change replaces leucine, which is neutral and non-polar, with phenylalanine, which is neutral and non-polar, at codon 142 of the PIGT protein (p.Leu142Phe).

GeneDx
Classification: Uncertain significance. Last evaluated: 2019-09-24. Review status: criteria provided, single submitter. Criteria: GeneDx Variant Classification Process June 2021. Collection method: clinical testing. Allele origin: germline. Affected: yes.
Comment: Not observed at a significant frequency in large population cohorts (Lek et al., 2016); In silico analysis, which includes protein predictors and evolutionary conservation, supports a deleterious effect; Has not been previously published as pathogenic or benign to our knowledge

NM_015937.6(PIGT):c.424C>T (p.Leu142Phe)

Gene: PIGT (phosphatidylinositol glycan anchor biosynthesis class T; plus strand). Cytogenetic location: 20q13.12.
Variant type: single nucleotide variant.
Coding change: c.424C>T on transcript NM_015937.6 (MANE Select); coding-DNA position 424, C replaced by T.
Protein change: p.Leu142Phe; replaces leucine 142 with phenylalanine.
Molecular consequence: missense variant. On other transcripts: intron variant (2), non-coding transcript variant (3).
Genome position (GRCh38, 1-based): chr20:45,418,910, C>T. VCF-style: chr20-45418910-C-T. GRCh37 (hg19) VCF-style: chr20-44047550-C-T.
Other names: c.326-385C>T (NM_001184728.3); c.188-385C>T (NM_001184730.3); c.424C>T, p.Leu142Phe (NM_001184729.3); short protein forms L142F.
Identifiers: ClinVar variation 1304132 (VCV001304132.9), dbSNP rs757652787, ClinGen allele CA9877872.